The following is an entry in ClinVar:

ClinVar aggregate classification (germline): Benign/Likely benign. Review status: criteria provided, multiple submitters, no conflicts (2 of 4 stars). 4 submissions from 4 submitters: Benign (1); Likely benign (3). Last evaluated 2025-12-31.

Conditions:
BAP1-related tumor predisposition syndrome (TPDS1). Also called: COMMON Syndrome; TUMOR PREDISPOSITION SYNDROME 1; Tumor susceptibility linked to germline BAP1 mutations; BAP1 tumor predisposition syndrome. Identifiers: Orphanet 289539, MedGen C3280492, MONDO:0013692, OMIM 614327.
Hereditary cancer-predisposing syndrome. Also called: Hereditary Cancer Syndrome; Tumor predisposition; Neoplastic Syndromes, Hereditary; Hereditary neoplastic syndrome. Identifiers: Orphanet 140162, MedGen C0027672, MeSH D009386, MONDO:0015356.

Allele frequency attached by ClinVar (database versions not stated): gnomAD exomes below 0.00001 and 0.00001; ExAC 0.00001; gnomAD 0.00001 and 0.00003; TOPMed 0.00002.

Submissions (4):

Labcorp Genetics (formerly Invitae), Labcorp
Classification: Likely benign for BAP1-related tumor predisposition syndrome. Last evaluated: 2025-12-31. Review status: criteria provided, single submitter. Criteria: Invitae Variant Classification Sherloc (09022015). Collection method: clinical testing. Allele origin: germline.

Myriad Genetics, Inc.
Classification: Benign for BAP1-related tumor predisposition syndrome. Last evaluated: 2024-07-17. Review status: criteria provided, single submitter. Criteria: Myriad Autosomal Dominant, Autosomal Recessive and X-Linked Classification Criteria (2023). Collection method: clinical testing. Allele origin: unknown.
Comment: This variant is considered benign. This variant is a silent/synonymous amino acid change and it is not expected to impact splicing.

Ambry Genetics
Classification: Likely benign for Hereditary cancer-predisposing syndrome. Last evaluated: 2019-10-01. Review status: criteria provided, single submitter. Criteria: Ambry Variant Classification Scheme 2023. Collection method: clinical testing. Allele origin: germline.

Color Diagnostics, LLC DBA Color Health
Classification: Likely benign for Hereditary cancer-predisposing syndrome. Last evaluated: 2018-12-14. Review status: criteria provided, single submitter. Criteria: ACMG Guidelines, 2015. Collection method: clinical testing. Allele origin: germline.

NM_004656.4(BAP1):c.2040C>T (p.Ser680=)

Gene: BAP1 (BRCA1 associated deubiquitinase 1; minus strand). Cytogenetic location: 3p21.1.
Variant type: single nucleotide variant.
Coding change: c.2040C>T on transcript NM_004656.4 (MANE Select); coding-DNA position 2040, C replaced by T.
Protein change: p.Ser680=; no amino-acid change (serine 680 retained).
Molecular consequence: synonymous variant.
Genome position (GRCh38, 1-based): chr3:52,402,618, G>A on the plus strand (C>T on the coding strand, the complement: BAP1 is on the minus strand). VCF-style: chr3-52402618-G-A. GRCh37 (hg19) VCF-style: chr3-52436634-G-A.
Identifiers: ClinVar variation 701523 (VCV000701523.14), dbSNP rs769923250, ClinGen allele CA2436617.